The following is an entry in ClinVar:

NM_001283009.2(RTEL1):c.3380G>A (p.Arg1127His)

Genes: RTEL1 (regulator of telomere elongation helicase 1; plus strand), RTEL1-TNFRSF6B (RTEL1-TNFRSF6B readthrough (NMD candidate); plus strand). Cytogenetic location: 20q13.33.
Variant type: single nucleotide variant.
Coding change: c.3380G>A on transcript NM_001283009.2 (MANE Select); coding-DNA position 3380, G replaced by A.
Protein change: p.Arg1127His; replaces arginine 1127 with histidine.
Molecular consequence: missense variant. On other transcripts: non-coding transcript variant (1).
Genome position (GRCh38, 1-based): chr20:63,695,102, G>A. VCF-style: chr20-63695102-G-A. GRCh37 (hg19) VCF-style: chr20-62326455-G-A.
Other names: p.Arg1151His; c.2711G>A, p.Arg904His (NM_001283010.1); c.3380G>A, p.Arg1127His (NM_016434.4); c.3452G>A, p.Arg1151His (NM_032957.5); c.3452G>A (NM_032957.4); short protein forms R1127H, R904H, R1151H.
Identifiers: ClinVar variation 657552 (VCV000657552.9), dbSNP rs771768208, ClinGen allele CA9966008.

ClinVar aggregate classification (germline): Uncertain significance. Review status: criteria provided, multiple submitters, no conflicts (2 of 4 stars). 4 submissions from 4 submitters: Uncertain significance (3). 1 of the submissions does not count toward it. Last evaluated 2025-09-17.

Conditions:
Pulmonary fibrosis and/or bone marrow failure, Telomere-related, 3. Also called: PULMONARY FIBROSIS AND/OR BONE MARROW FAILURE SYNDROME, TELOMERE-RELATED, 3. Identifiers: Orphanet 2032, MedGen C4225346, MONDO:0014613, OMIM 616373.
Dyskeratosis congenita, autosomal recessive 5 (DKCB5). Identifiers: MedGen C3554656, MONDO:0014076, OMIM 615190.
Inborn genetic diseases. Identifiers: MedGen C0950123, MeSH D030342.
Dyskeratosis congenita. Identifiers: Orphanet 1775, MedGen C0265965, MONDO:0015780.

Allele frequency attached by ClinVar (database versions not stated): gnomAD 0.00001; TOPMed 0.00002.
gnomAD v4.1: 15 of 1,612,248 alleles (0.00093%); highest among the groups gnomAD compares: African/African-American, 0.0013%; no homozygotes.

Submissions (4):

Mayo Clinic Laboratories, Mayo Clinic
Classification: Uncertain significance. Last evaluated: 2025-09-17. Review status: criteria provided, single submitter. Criteria: ACMG Guidelines, 2015. Collection method: clinical testing. Allele origin: germline. Observed: 1 variant allele.

Labcorp Genetics (formerly Invitae), Labcorp
Classification: Uncertain significance for Dyskeratosis congenita, autosomal recessive 5; Pulmonary fibrosis and/or bone marrow failure, Telomere-related, 3. Last evaluated: 2025-04-07. Review status: criteria provided, single submitter. Criteria: Invitae Variant Classification Sherloc (09022015). Collection method: clinical testing. Allele origin: germline.
Comment: This sequence change replaces arginine, which is basic and polar, with histidine, which is basic and polar, at codon 1127 of the RTEL1 protein (p.Arg1127His). This variant is present in population databases (rs771768208, gnomAD 0.02%). This variant has not been reported in the literature in individuals affected with RTEL1-related conditions. ClinVar contains an entry for this variant (Variation ID: 657552). An algorithm developed to predict the effect of missense changes on protein structure and function outputs the following: PolyPhen-2: "Benign". The histidine amino acid residue is found in multiple mammalian species, which suggests that this missense change does not adversely affect protein function. In summary, the available evidence is currently insufficient to determine the role of this variant in disease. Therefore, it has been classified as a Variant of Uncertain Significance.

Ambry Genetics
Classification: Uncertain significance for Inborn genetic diseases. Last evaluated: 2021-04-20. Review status: criteria provided, single submitter. Criteria: Ambry Variant Classification Scheme 2023. Collection method: clinical testing. Allele origin: germline.

Natera, Inc.
Classification: Uncertain significance for Dyskeratosis congenita. Last evaluated: 2020-02-13. Review status: no assertion criteria provided. Collection method: clinical testing. Allele origin: germline. Not counted in ClinVar's aggregate classification.